The following is an entry in ClinVar:

ClinVar aggregate classification (germline): Likely pathogenic (1 of 4 stars; one submission).

Conditions:
Cortical dysplasia, complex, with other brain malformations 13. Also called: Intellectual disability, autosomal dominant 13. Identifiers: MedGen C3281202, MONDO:0013805, OMIM 614563.

Submission:

Population and Medical Genomics Lab, Sidra Medicine
Classification: Likely pathogenic for Cortical dysplasia, complex, with other brain malformations 13. Review status: criteria provided, single submitter. Criteria: ACMG Guidelines, 2015. Collection method: research. Allele origin: de novo. Inheritance: Autosomal dominant inheritance. Affected: yes. Observed: 1 heterozygote.
Comment: Likely pathogenic novel de novo missense variant in DYNC1H1 (encodes Cytoplasmic dynein 1 heavy chain 1, a motor for the intracellular retrograde motility of vesicles and organelles along microtubules) associated with severe cognitive disability and cortical dysplasia. Epilepsy is a common accompanying symptom of DYNC1H1-related diseases. It is absent in gnomAD (PM2), and in silico prediction scores predict a damaging effect (PP3). The variant is de novo - was not observed in the parents (PS2). In summary, the c.4847G>A:p.(Gly1616Glu) variant meets our criteria to be classified as likely pathogenic using the ACMG guidelines.

NM_001376.5(DYNC1H1):c.4847G>A (p.Gly1616Glu)

Gene: DYNC1H1 (dynein cytoplasmic 1 heavy chain 1; plus strand). Cytogenetic location: 14q32.31.
Variant type: single nucleotide variant.
Coding change: c.4847G>A on transcript NM_001376.5 (MANE Select); coding-DNA position 4847, G replaced by A.
Protein change: p.Gly1616Glu; replaces glycine 1616 with glutamic acid.
Molecular consequence: missense variant.
Genome position (GRCh38, 1-based): chr14:102,002,929, G>A. VCF-style: chr14-102002929-G-A. GRCh37 (hg19) VCF-style: chr14-102469266-G-A.
Other names: short protein forms G1616E.
Identifiers: ClinVar variation 4086108 (VCV004086108.1).
Genomic context (GRCh38, chr14:102,002,929, plus strand): 5'-GAGTACAGAGGTCTCTGGAAAGATTGGCAGACCTGCTAGGAAAGATCCAGAAAGCATTGG[G>A]AGAATATCTGGAAAGAGAGCGGTCATCTTTCCCCAGGTAAGATCCTTGCTTTGACTTGGC-3'
Protein context (NP_001367.2, residues 1606-1626): DLLGKIQKAL[Gly1616Glu]EYLERERSSF